The following is an entry in ClinVar:

NM_002016.2(FLG):c.8574C>T (p.His2858=)

Genes: CCDST (cervical cancer associated DHX9 suppressive transcript; plus strand), FLG (filaggrin; minus strand). Cytogenetic location: 1q21.3.
Variant type: single nucleotide variant.
Coding change: c.8574C>T on transcript NM_002016.2 (MANE Select); coding-DNA position 8574, C replaced by T.
Protein change: p.His2858=; no amino-acid change (histidine 2858 retained).
Molecular consequence: synonymous variant.
Genome position (GRCh38, 1-based): chr1:152,306,312, G>A on the plus strand (C>T on the coding strand, the complement: FLG is on the minus strand). VCF-style: chr1-152306312-G-A. GRCh37 (hg19) VCF-style: chr1-152278788-G-A.
Identifiers: ClinVar variation 3904828 (VCV003904828.10).

ClinVar aggregate classification (germline): Likely benign (1 of 4 stars; one submission).

Submission:

CeGaT Center for Human Genetics Tuebingen
Classification: Likely benign. Last evaluated: 2025-05-01. Review status: criteria provided, single submitter. Criteria: CeGaT Center For Human Genetics Tuebingen Variant Classification Criteria Version 2. Collection method: clinical testing. Allele origin: germline. Affected: yes. Observed: 1 variant allele.
Comment: FLG: BP4, BP7